The following is an entry in ClinVar:

ClinVar aggregate classification (germline): Uncertain significance (1 of 4 stars; one submission).

Conditions:
Familial adenomatous polyposis 1 (FAP1). Also called: FAMILIAL ADENOMATOUS POLYPOSIS 1, ATTENUATED; POLYPOSIS, ADENOMATOUS INTESTINAL. Identifiers: MedGen C2713442, MONDO:0021056, OMIM 175100. Disease mechanism: loss of function.

Submission:

Labcorp Genetics (formerly Invitae), Labcorp
Classification: Uncertain significance for Familial adenomatous polyposis 1. Last evaluated: 2022-07-20. Review status: criteria provided, single submitter. Criteria: Invitae Variant Classification Sherloc (09022015). Collection method: clinical testing. Allele origin: germline.
Comment: In summary, the available evidence is currently insufficient to determine the role of this variant in disease. Therefore, it has been classified as a Variant of Uncertain Significance. Algorithms developed to predict the effect of missense changes on protein structure and function (SIFT, PolyPhen-2, Align-GVGD) all suggest that this variant is likely to be tolerated. ClinVar contains an entry for this variant (Variation ID: 953169). This variant has not been reported in the literature in individuals affected with APC-related conditions. This variant is not present in population databases (gnomAD no frequency). This sequence change replaces glutamic acid, which is acidic and polar, with alanine, which is neutral and non-polar, at codon 536 of the APC protein (p.Glu536Ala).

NM_000038.6(APC):c.1607A>C (p.Glu536Ala)

Gene: APC (APC regulator of Wnt signaling pathway; plus strand). Cytogenetic location: 5q22.2.
Variant type: single nucleotide variant.
Coding change: c.1607A>C on transcript NM_000038.6 (MANE Select); coding-DNA position 1607, A replaced by C.
Protein change: p.Glu536Ala; replaces glutamic acid 536 with alanine.
Molecular consequence: missense variant.
Genome position (GRCh38, 1-based): chr5:112,827,987, A>C. VCF-style: chr5-112827987-A-C. GRCh37 (hg19) VCF-style: chr5-112163684-A-C.
Other names: c.1661A>C, p.Glu554Ala (NM_001354896.2); c.1637A>C, p.Glu546Ala (NM_001354897.2); c.1532A>C, p.Glu511Ala (NM_001354898.2); c.1523A>C, p.Glu508Ala (NM_001354899.2); c.1484A>C, p.Glu495Ala (NM_001354900.2); c.1430A>C, p.Glu477Ala (NM_001354901.2); c.1334A>C, p.Glu445Ala (NM_001354902.2); c.1304A>C, p.Glu435Ala (NM_001354903.2); and 5 more; short protein forms E253A, E511A, E554A, E376A, E518A, E477A, E508A, E536A.
Identifiers: ClinVar variation 953169 (VCV000953169.11), dbSNP rs1763882905, ClinGen allele CA16024812.
Genomic context (GRCh38, chr5:112,827,987, plus strand): 5'-AGGCTACGCTATGCTCTATGAAAGGCTGCATGAGAGCACTTGTGGCCCAACTAAAATCTG[A>C]AAGTGAAGACTTACAGCAGGTACTATTTAGAATTTCACCTGTTTTTCTTTTTTCTCTTTT-3'
Protein context (NP_000029.2, residues 526-546): MRALVAQLKS[Glu536Ala]SEDLQQVIAS